The following is an entry in ClinVar:

ClinVar aggregate classification (germline): Pathogenic/Likely pathogenic. Review status: criteria provided, multiple submitters, no conflicts (2 of 4 stars). 15 submissions from 15 submitters: Pathogenic (11); Likely pathogenic (2). 2 of the submissions do not count toward it. Last evaluated 2026-05-04.

Conditions:
Early-infantile DEE. Also called: Ohtahara syndrome; Early infantile epileptic encephalopathy; Early infantile epileptic encephalopathy with suppression bursts. Identifiers: Orphanet 1934, MedGen C0393706, MONDO:0800491.
Inborn genetic diseases. Identifiers: MedGen C0950123, MeSH D030342.
Developmental and epileptic encephalopathy, 17 (DEE17). Also called: Early infantile epileptic encephalopathy 17. Identifiers: Orphanet 1934, MedGen C3809606, MONDO:0014199, OMIM 615473.
GNAO1-related disorder. Also called: GNAO1-Related Disorders; GNAO1-related condition. Identifiers: MedGen CN381308.
Neurodevelopmental disorder with involuntary movements (NEDIM). Identifiers: Orphanet 592564, MedGen C4479569, MONDO:0060491, OMIM 617493.

Submissions 1 to 12 of 15:

Kasturba Medical College, Manipal, Kasturba Medical College, Manipal, Manipal Academy of Higher Education, Manipal, India
Classification: Pathogenic for Neurodevelopmental disorder with involuntary movements. Last evaluated: 2026-05-04. Review status: criteria provided, single submitter. Criteria: ACMG Guidelines, 2015. Collection method: research. Allele origin: de novo. Inheritance: Autosomal dominant inheritance. Affected: yes. Observed: 1 variant allele, 1 heterozygote.
Comment: The variant is not reported in a homozygous state and/or heterozygous in gnomAD (v4.1.0) population database and in our in-house database of 4194 exomes. In-silico tool, such as SpliceAI, has predicted the variant to cause aberrant splicing (delta score- 0.92).

3billion
Classification: Pathogenic for Neurodevelopmental disorder with involuntary movements. Last evaluated: 2026-01-22. Review status: criteria provided, single submitter. Criteria: ACMG Guidelines, 2015. Collection method: clinical testing. Allele origin: germline. Affected: yes.
Comment: The variant is not observed in the gnomAD v4.1.0 dataset. Predicted Consequence/Location: Intron variant In silico tools predict the variant to alter splicing and produce an abnormal transcript [SpliceAI: 1.00 (>=0.2, moderate evidence for spliceogenicity)]. The variant has been observed in at least two similarly affected unrelated individuals (PMID: 26633542, 35147852). The variant has been previously reported as assumed (i.e. paternity and maternity not confirmed) de novo in at least two similarly affected unrelated individuals (PMID: 33528536). The variant has been reported at least twice as pathogenic with clinical assertions and evidence for the classification (ClinVar ID: VCV000426965 /PMID: 26633542). Therefore, this variant is classified as Pathogenic according to the recommendation of ACMG/AMP guideline.

Dasa
Classification: Pathogenic. Last evaluated: 2025-12-12. Review status: criteria provided, single submitter. Criteria: DASA Assertion Criteria. Collection method: clinical testing. Allele origin: germline.
Comment: NM_020988.3(GNAO1):c.724-8G>A is a splice-region variant predicted to affect normal RNA splicing. De novo occurrence has been reported in an individual with related phenotype. Segregation evidence has been reported in affected families. This variant has been recurrently observed in individuals with related phenotype (PMID: 35147852; PMID: 35782616; PMID: 35509770; PMID: 37142469). Multiple computational predictions support a deleterious effect on the gene or gene product. The variant is present at low frequency in population datasets. Based on the available data, this variant is classified as pathogenic.

Women's Health and Genetics/Laboratory Corporation of America, LabCorp
Classification: Pathogenic for GNAO1-Related Disorders. Last evaluated: 2025-11-14. Review status: criteria provided, single submitter. Criteria: LabCorp Variant Classification Summary - May 2015. Collection method: clinical testing. Allele origin: germline.
Comment: Variant summary: GNAO1 c.724-8G>A alters a nucleotide located at a position not widely known to affect splicing. Several computational tools predict a significant impact on normal splicing: Two predict the variant abolishes a 3' acceptor site. One predict the variant weakens a 3' acceptor site. Four predict the variant creates a 3' acceptor site. However, these predictions have yet to be confirmed by functional studies. The variant was absent in 249910 control chromosomes. c.724-8G>A has been observed in multiple individuals, including de novo cases, with symptoms of GNAO1-related disorders (e.g., Monies_2019, Moreno-De-Luca_2021, Retterer_2016, internal data). These data indicate that the variant is likely to be associated with disease. The following publications have been ascertained in the context of this evaluation (PMID: 31130284, 33528536, 26633542). ClinVar contains an entry for this variant (Variation ID: 426965). Based on the evidence outlined above, the variant was classified as pathogenic.

Victorian Clinical Genetics Services, Murdoch Childrens Research Institute
Classification: Pathogenic for Neurodevelopmental disorder with involuntary movements. Last evaluated: 2025-02-17. Review status: criteria provided, single submitter. Criteria: ACMG Guidelines, 2015. Collection method: clinical testing. Allele origin: germline. Affected: yes.
Comment: This variant is classified as Pathogenic. Evidence in support of pathogenic classification: Splice site variant proven to affect splicing of the transcript with a known effect on protein sequence. Sequencing of an RT-PCR product from patient cells demonstrated that the variant caused an in-frame 6-bp intronic retention, leading to an insertion of two amino acids, p.(Thr241_Asn242insProGln) (PMID: 35147852); Variant is absent from gnomAD (v2, v3 and v4); This variant has strong previous evidence of pathogenicity in unrelated individuals. This variant has been classified as likely pathogenic/pathogenic by diagnostic laboratories in ClinVar, and identified in the literature in individuals with generalised dystonia and psychomotor delay (PMIDs: 26633542, 35147852); Additional information: This variant is heterozygous; This gene is associated with autosomal dominant disease; Both loss of function and gain of function are known mechanisms of disease for this gene. Loss of function variants are found throughout the protein, and result in developmental and epileptic encephalopathy 17 (MIM#615473). Gain of function variants cluster near amino acid 184 and within the RGS binding domain, causing neurodevelopmental disorder with involuntary movements (MIM#617493) (PMID: 28747448, OMIM).

GeneDx
Classification: Pathogenic. Last evaluated: 2025-01-13. Review status: criteria provided, single submitter. Criteria: GeneDx Variant Classification Process June 2021. Collection method: clinical testing. Allele origin: germline. Affected: yes.
Comment: Not observed at significant frequency in large population cohorts (gnomAD); In silico analysis supports a deleterious effect on splicing; This variant is associated with the following publications: (PMID: 26633542, 34426522, 34122306, 35782616, 35722775, 35147852, 33528536, 35509770, 28747448, 31130284)

Labcorp Genetics (formerly Invitae), Labcorp
Classification: Pathogenic for Early-infantile DEE. Last evaluated: 2024-06-29. Review status: criteria provided, single submitter. Criteria: Invitae Variant Classification Sherloc (09022015). Collection method: clinical testing. Allele origin: germline.
Comment: This sequence change falls in intron 6 of the GNAO1 gene. It does not directly change the encoded amino acid sequence of the GNAO1 protein. This variant is not present in population databases (gnomAD no frequency). This variant has been observed in individual(s) with GNAO1-related conditions (PMID: 31130284; Invitae). In at least one individual the variant was observed to be de novo. ClinVar contains an entry for this variant (Variation ID: 426965). Algorithms developed to predict the effect of sequence changes on RNA splicing suggest that this variant may disrupt the consensus splice site. For these reasons, this variant has been classified as Pathogenic.

Revvity Omics, Revvity
Classification: Likely pathogenic. Last evaluated: 2024-02-28. Review status: criteria provided, single submitter. Criteria: ACMG Guidelines, 2015. Collection method: clinical testing. Allele origin: germline.

Ambry Genetics
Classification: Pathogenic for Inborn genetic diseases. Last evaluated: 2022-07-06. Review status: criteria provided, single submitter. Criteria: Ambry Variant Classification Scheme 2023. Collection method: clinical testing. Allele origin: germline.
Comment: The c.724-8G>A intronic alteration results from a G to A substitution 8 nucleotides before coding exon 7 of the GNAO1 gene. This variant was not reported in population-based cohorts in the Genome Aggregation Database (gnomAD). This alteration has been reported in multiple individuals with clinical features consistent with GNAO1 encephalopathies as a de novo occurrence or due to suspected parental germline mosaicism (Monies, 2019; Yang, 2021; Al Masseri, 2022; Liu, 2022; Wirth, 2022; Ambry internal data). This nucleotide position is well conserved in available vertebrate species. In silico splice site analysis predicts that this alteration will weaken the native splice acceptor site and will result in the creation or strengthening of a novel splice acceptor site. Based on the available evidence, this alteration is classified as pathogenic.

Genetics and Molecular Pathology, SA Pathology
Classification: Pathogenic for Developmental and epileptic encephalopathy, 17. Last evaluated: 2022-06-03. Review status: criteria provided, single submitter. Criteria: ACMG Guidelines, 2015. Collection method: clinical testing. Allele origin: germline. Affected: yes.

Baylor Genetics
Classification: Pathogenic for Neurodevelopmental disorder with involuntary movements. Last evaluated: 2021-03-09. Review status: criteria provided, single submitter. Criteria: ACMG Guidelines, 2015. Collection method: clinical testing. Allele origin: unknown.

Blueprint Genetics
Classification: Pathogenic for GNAO1-related disorders. Last evaluated: 2021-01-20. Review status: criteria provided, single submitter. Criteria: ACMG Guidelines, 2015. Collection method: clinical testing. Allele origin: germline. Affected: yes. Observed: 2 variant alleles.

NM_020988.3(GNAO1):c.724-8G>A

Gene: GNAO1 (G protein subunit alpha o1; plus strand). Cytogenetic location: 16q13.
Variant type: single nucleotide variant.
Coding change: c.724-8G>A on transcript NM_020988.3 (MANE Select); 8 bases into the intron before coding-DNA position 724, G replaced by A.
Molecular consequence: intron variant.
Genome position (GRCh38, 1-based): chr16:56,351,376, G>A. VCF-style: chr16-56351376-G-A. GRCh37 (hg19) VCF-style: chr16-56385288-G-A.
Identifiers: ClinVar variation 426965 (VCV000426965.32), dbSNP rs1085307876, ClinGen allele CA645293896.